The following is an entry in ClinVar:

NM_001401501.2(MUC16):c.37798+3A>G

Gene: MUC16 (mucin 16, cell surface associated; minus strand). Cytogenetic location: 19p13.2.
Variant type: single nucleotide variant.
Coding change: c.37798+3A>G on transcript NM_001401501.2 (MANE Select); 3 bases into the intron after coding-DNA position 37798, A replaced by G.
Molecular consequence: intron variant.
Genome position (GRCh38, 1-based): chr19:8,908,596, T>C on the plus strand (A>G on the coding strand, the complement: MUC16 is on the minus strand). VCF-style: chr19-8908596-T-C. GRCh37 (hg19) VCF-style: chr19-9019272-T-C.
Other names: c.38224+3A>G (NM_001414686.1); c.37678+3A>G (NM_001414687.1); c.37612+3A>G (NM_024690.2).
Identifiers: ClinVar variation 3044115 (VCV003044115.2), dbSNP rs755066466, ClinGen allele CA9165049.

ClinVar aggregate classification (germline): Likely benign (0 of 4 stars; one submission).

Conditions:
MUC16-related disorder. Also called: MUC16-related condition.

Allele frequency attached by ClinVar (database versions not stated): ExAC 0.00001; gnomAD 0.00001; gnomAD exomes 0.00001; TOPMed 0.00001.

Submission:

PreventionGenetics, part of Exact Sciences
Classification: Likely benign for MUC16-related condition. Last evaluated: 2019-09-19. Review status: no assertion criteria provided. Collection method: clinical testing. Allele origin: germline.
Comment: This variant is classified as likely benign based on ACMG/AMP sequence variant interpretation guidelines (Richards et al. 2015 PMID: 25741868, with internal and published modifications).